The following is an entry in ClinVar:

NM_005120.3(MED12):c.122_163del (p.Val41_Asp54del)

Gene: MED12 (mediator complex subunit 12; plus strand). Cytogenetic location: Xq13.1.
Variant type: Deletion.
Coding change: c.122_163del on transcript NM_005120.3 (MANE Select); coding-DNA positions 122 to 163, 42 bases deleted.
Protein change: p.Val41_Asp54del.
Molecular consequence: inframe deletion.
Genome position (GRCh38, 1-based): chrX:71,119,395-71,119,436, 42 bases deleted; deleting any 42 consecutive bases within chrX:71,119,392-71,119,436 gives the same sequence; the c. name uses the placement nearest the transcript's 3' end. GRCh37 (hg19): chrX:70,339,245-70,339,286.
Identifiers: ClinVar variation 92210 (VCV000092210.2), dbSNP rs199469687, ClinGen allele CA145549.

ClinVar aggregate classification (germline): not provided (0 of 4 stars; one submission).

Conditions:
Uterine leiomyoma (UL). Also called: Uterine corpus leiomyoma. Identifiers: MedGen C0042133, MONDO:0007886, OMIM 150699, HP:0000131.

Submission:

Rajkovic Lab, University of Pittsburgh
No classification provided. Condition: Leiomyoma, uterine. Review status: no classification provided. Collection method: not provided. Allele origin: somatic.
ClinVar note: Converted during submission from Associated with leiomyomas to not provided.